The following is an entry in ClinVar:

NM_007348.4(ATF6):c.496A>C (p.Thr166Pro)

Gene: ATF6 (activating transcription factor 6; plus strand). Cytogenetic location: 1q23.3.
Variant type: single nucleotide variant.
Coding change: c.496A>C on transcript NM_007348.4 (MANE Select); coding-DNA position 496, A replaced by C.
Protein change: p.Thr166Pro; replaces threonine 166 with proline.
Molecular consequence: missense variant.
Genome position (GRCh38, 1-based): chr1:161,792,135, A>C. VCF-style: chr1-161792135-A-C. GRCh37 (hg19) VCF-style: chr1-161761925-A-C.
Other names: short protein forms T166P.
Identifiers: ClinVar variation 849639 (VCV000849639.8), dbSNP rs767636001, ClinGen allele CA1214227.

ClinVar aggregate classification (germline): Uncertain significance (1 of 4 stars; one submission).

Allele frequency attached by ClinVar (database versions not stated): gnomAD exomes 0.00001; ExAC 0.00002.
gnomAD v4.1: 3 of 1,613,746 alleles (0.00019%); highest among the groups gnomAD compares: Admixed American, 0.005%; no homozygotes.

Submission:

Labcorp Genetics (formerly Invitae), Labcorp
Classification: Uncertain significance. Last evaluated: 2019-12-24. Review status: criteria provided, single submitter. Criteria: Invitae Variant Classification Sherloc (09022015). Collection method: clinical testing. Allele origin: germline.
Comment: In summary, the available evidence is currently insufficient to determine the role of this variant in disease. Therefore, it has been classified as a Variant of Uncertain Significance. Algorithms developed to predict the effect of missense changes on protein structure and function (SIFT, PolyPhen-2, Align-GVGD) all suggest that this variant is likely to be tolerated, but these predictions have not been confirmed by published functional studies and their clinical significance is uncertain. This variant has not been reported in the literature in individuals with ATF6-related conditions. This variant is present in population databases (rs767636001, ExAC 0.02%). This sequence change replaces threonine with proline at codon 166 of the ATF6 protein (p.Thr166Pro). The threonine residue is moderately conserved and there is a small physicochemical difference between threonine and proline.